The following is an entry in ClinVar:

NM_001378454.1(ALMS1):c.4537A>G (p.Thr1513Ala)

Gene: ALMS1 (ALMS1 centrosome and basal body associated protein; plus strand). Cytogenetic location: 2p13.1.
Variant type: single nucleotide variant.
Coding change: c.4537A>G on transcript NM_001378454.1 (MANE Select); coding-DNA position 4537, A replaced by G.
Protein change: p.Thr1513Ala; replaces threonine 1513 with alanine.
Molecular consequence: missense variant.
Genome position (GRCh38, 1-based): chr2:73,451,064, A>G. VCF-style: chr2-73451064-A-G. GRCh37 (hg19) VCF-style: chr2-73678191-A-G.
Other names: c.4540A>G, p.Thr1514Ala (NM_015120.4); short protein forms T1513A, T1514A.
Identifiers: ClinVar variation 2564336 (VCV002564336.3), dbSNP rs376196148, ClinGen allele CA1713721.

ClinVar aggregate classification (germline): Uncertain significance. Review status: criteria provided, multiple submitters, no conflicts (2 of 4 stars). 2 submissions from 2 submitters: Uncertain significance (2). Last evaluated 2024-10-31.

Conditions:
Cardiovascular phenotype. Identifiers: MedGen CN230736.
Alstrom syndrome (ALMS). Identifiers: Orphanet 64, MedGen C0268425, MONDO:0008763, OMIM 203800.

Allele frequency attached by ClinVar (database versions not stated): gnomAD exomes below 0.00001; ExAC 0.00001; TOPMed 0.00001; gnomAD 0.00002; ESP Exome Variant Server 0.00008.
gnomAD v4.1: 4 of 1,613,786 alleles (0.00025%); highest among the groups gnomAD compares: African/African-American, 0.004%; no homozygotes.

Submissions (2):

Labcorp Genetics (formerly Invitae), Labcorp
Classification: Uncertain significance for Alstrom syndrome. Last evaluated: 2024-10-31. Review status: criteria provided, single submitter. Criteria: Invitae Variant Classification Sherloc (09022015). Collection method: clinical testing. Allele origin: germline.
Comment: This sequence change replaces threonine, which is neutral and polar, with alanine, which is neutral and non-polar, at codon 1514 of the ALMS1 protein (p.Thr1514Ala). This variant is present in population databases (rs376196148, gnomAD 0.01%). This variant has not been reported in the literature in individuals affected with ALMS1-related conditions. ClinVar contains an entry for this variant (Variation ID: 2564336). Experimental studies and prediction algorithms are not available or were not evaluated, and the functional significance of this variant is currently unknown. In summary, the available evidence is currently insufficient to determine the role of this variant in disease. Therefore, it has been classified as a Variant of Uncertain Significance.

Ambry Genetics
Classification: Uncertain significance for Cardiovascular phenotype. Last evaluated: 2023-05-01. Review status: criteria provided, single submitter. Criteria: Ambry Variant Classification Scheme 2023. Collection method: clinical testing. Allele origin: germline.
Comment: The p.T1514A variant (also known as c.4540A>G), located in coding exon 8 of the ALMS1 gene, results from an A to G substitution at nucleotide position 4540. The threonine at codon 1514 is replaced by alanine, an amino acid with similar properties. This amino acid position is not well conserved in available vertebrate species. In addition, this alteration is predicted to be tolerated by in silico analysis. Since supporting evidence is limited at this time, the clinical significance of this alteration remains unclear.